The following is an entry in ClinVar:

ClinVar aggregate classification (germline): Uncertain significance (1 of 4 stars; one submission).

Conditions:
Koolen-de Vries syndrome (KDVS). Identifiers: Orphanet 96169, MedGen C1864871, MONDO:0012496, OMIM 610443.

Allele frequency attached by ClinVar (database versions not stated): TOPMed below 0.00001.

Submission:

Labcorp Genetics (formerly Invitae), Labcorp
Classification: Uncertain significance for Koolen-de Vries syndrome. Last evaluated: 2022-08-31. Review status: criteria provided, single submitter. Criteria: Invitae Variant Classification Sherloc (09022015). Collection method: clinical testing. Allele origin: germline.
Comment: In summary, the available evidence is currently insufficient to determine the role of this variant in disease. Therefore, it has been classified as a Variant of Uncertain Significance. Algorithms developed to predict the effect of missense changes on protein structure and function are either unavailable or do not agree on the potential impact of this missense change (SIFT: "Tolerated"; PolyPhen-2: "Probably Damaging"; Align-GVGD: "Class C0"). ClinVar contains an entry for this variant (Variation ID: 1493585). This variant has not been reported in the literature in individuals affected with KANSL1-related conditions. This variant is not present in population databases (gnomAD no frequency). This sequence change replaces threonine, which is neutral and polar, with asparagine, which is neutral and polar, at codon 587 of the KANSL1 protein (p.Thr587Asn).

NM_015443.4(KANSL1):c.1760C>A (p.Thr587Asn)

Gene: KANSL1 (KAT8 regulatory NSL complex subunit 1). Cytogenetic location: 17q21.31.
Variant type: single nucleotide variant.
Coding change: c.1760C>A on transcript NM_015443.4 (MANE Select); coding-DNA position 1760, C replaced by A.
Protein change: p.Thr587Asn; replaces threonine 587 with asparagine.
Molecular consequence: missense variant.
Genome position (GRCh38, 1-based): chr17:46,066,625, G>T on the plus strand (C>A on the coding strand, the complement: KANSL1 is on the minus strand). VCF-style: chr17-46066625-G-T. GRCh37 (hg19) VCF-style: chr17-44143991-G-T.
Other names: c.1760C>A, p.Thr587Asn (NM_001193465.2, NM_001193466.2, NM_001379198.1); short protein forms T587N.
Identifiers: ClinVar variation 1493585 (VCV001493585.8), dbSNP rs2078387746, ClinGen allele CA399986555.